The following is an entry in ClinVar:

ClinVar aggregate classification (germline): Pathogenic. Review status: criteria provided, multiple submitters, no conflicts (2 of 4 stars). 2 submissions from 2 submitters: Pathogenic (2). Last evaluated 2026-03-15.

Conditions:
Spondyloepiphyseal dysplasia, Stanescu type. Also called: SED, STANESCU TYPE; SPONDYLOEPIMETAPHYSEAL DYSPLASIA, STANESCU TYPE. Identifiers: Orphanet 459051, MedGen C4225273, MONDO:0014701, OMIM 616583.
Type 2 collagenopathy. Identifiers: Orphanet 93421, MedGen C2931073, MONDO:0022800.

Submissions (2):

Victorian Clinical Genetics Services, Murdoch Childrens Research Institute
Classification: Pathogenic for Type 2 collagenopathy. Last evaluated: 2026-03-15. Review status: criteria provided, single submitter. Criteria: ACMG Guidelines, 2015. Collection method: clinical testing. Allele origin: germline. Affected: yes.
Comment: This variant is classified as Pathogenic. Evidence in support of pathogenic classification: Variant is absent from gnomAD (v2, v3 and v4); This variant has moderate previous evidence of pathogenicity in unrelated individuals. This variant has been reported as de novo in an individual with congenital anomalies and/or intellectual disability (PMID: 29095811); Other missense variants comparable to the one identified in this case have moderate previous evidence for pathogenicity. p.(Gly1152Val) and p.(Gly1152Ser) have each been classified once as likely pathogenic (ClinVar). Additionally, p.(Gly1152Asp) has been classified as pathogenic and VUS by clinical diagnostic laboratories (ClinVar); Variant is located in the well-established functional Gly-X-Y motif in the collagen triple helical domain (DECIPHER); Missense variant predicted to be damaging by in silico tool(s) or highly conserved with a major amino acid change. Additional information: Variant is predicted to result in a missense amino acid change from Gly to Arg; This gene is associated with autosomal dominant disease; No published evidence of segregation with disease has been identified for this variant; No published functional evidence has been identified for this variant; Dominant negative and loss of function are known mechanisms of disease in this gene and are associated with COL2A1-related disorders. Loss of function variants have been reported to cause Stickler syndrome, whereas missense variants with a dominant negative effect on protein function result in spondyloepiphyseal or spondyloepimetaphyseal dysplasia (OMIM, PMID: 35052477, PMID: 15895462); Variants in this gene are known to have variable expressivity (PMID: 20301479).

Equipe Genetique des Anomalies du Developpement, Université de Bourgogne
Classification: Pathogenic for Spondyloepiphyseal dysplasia, Stanescu type. Last evaluated: 2016-01-01. Review status: criteria provided, single submitter. Criteria: ACMG Guidelines, 2015. Collection method: clinical testing. Allele origin: de novo. Affected: yes.

Literature cited by the submitters: PubMed 20301479 (cited by Victorian Clinical Genetics Services, Murdoch Childrens Research Institute); PubMed 29095811 (cited by Victorian Clinical Genetics Services, Murdoch Childrens Research Institute); PubMed 35052477 (cited by Victorian Clinical Genetics Services, Murdoch Childrens Research Institute); PubMed 15895462 (cited by Victorian Clinical Genetics Services, Murdoch Childrens Research Institute).

NM_001844.5(COL2A1):c.3454G>C (p.Gly1152Arg)

Gene: COL2A1 (collagen type II alpha 1 chain; minus strand). Cytogenetic location: 12q13.11.
Variant type: single nucleotide variant.
Coding change: c.3454G>C on transcript NM_001844.5 (MANE Select); coding-DNA position 3454, G replaced by C.
Protein change: p.Gly1152Arg; replaces glycine 1152 with arginine.
Molecular consequence: missense variant.
Genome position (GRCh38, 1-based): chr12:47,976,549, C>G on the plus strand (G>C on the coding strand, the complement: COL2A1 is on the minus strand). VCF-style: chr12-47976549-C-G. GRCh37 (hg19) VCF-style: chr12-48370332-C-G.
Other names: c.3247G>C, p.Gly1083Arg (NM_033150.3); short protein forms G1083R, G1152R.
Identifiers: ClinVar variation 666308 (VCV000666308.2), dbSNP rs1592198747, ClinGen allele CA384537543.